The following is an entry in ClinVar:

NM_001036.6(RYR3):c.13781C>T (p.Ala4594Val)

Genes: AVEN (apoptosis and caspase activation inhibitor; minus strand), RYR3 (ryanodine receptor 3; plus strand), LOC126862094 (CDK7 strongly-dependent group 2 enhancer GRCh37_chr15:34145183-34146382; plus strand). Cytogenetic location: 15q14.
Variant type: single nucleotide variant.
Coding change: c.13781C>T on transcript NM_001036.6 (MANE Select); coding-DNA position 13781, C replaced by T.
Protein change: p.Ala4594Val; replaces alanine 4594 with valine.
Molecular consequence: missense variant.
Genome position (GRCh38, 1-based): chr15:33,853,664, C>T. VCF-style: chr15-33853664-C-T. GRCh37 (hg19) VCF-style: chr15-34145865-C-T.
Other names: c.13766C>T, p.Ala4589Val (NM_001243996.4); c.13781C>T (NM_001036.3); short protein forms A4594V, A4589V.
Identifiers: ClinVar variation 461868 (VCV000461868.12), dbSNP rs781372766, ClinGen allele CA7461761.
Genomic context (GRCh38, chr15:33,853,664, plus strand): 5'-TTCTGGGTTTGGACAAAAATGCTCTTGACTTTAGCCCAGTAGAAGAGACCAAAGCAGAAG[C>T]GGCTTCTCTGGTGTCATGGTACAAAAAGCTTAGGAGTTCAAATCCAAAGCAGCTAAAATA-3'
Protein context (NP_001027.3, residues 4584-4604): FSPVEETKAE[Ala4594Val]ASLVSWLSSI

ClinVar aggregate classification (germline): Uncertain significance. Review status: criteria provided, multiple submitters, no conflicts (2 of 4 stars). 2 submissions from 2 submitters: Uncertain significance (2). Last evaluated 2025-08-28.

Conditions:
Epileptic encephalopathy. Identifiers: MedGen C0543888, HP:0200134.

Allele frequency attached by ClinVar (database versions not stated): TOPMed 0.00002; gnomAD exomes 0.00002 and 0.00001; gnomAD 0.00001 and 0.00002; ExAC 0.00002.
gnomAD v4.1: 18 of 1,613,642 alleles (0.0011%); highest among the groups gnomAD compares: South Asian, 0.0033%; no homozygotes.

Submissions (2):

Ambry Genetics
Classification: Uncertain significance. Last evaluated: 2025-08-28. Review status: criteria provided, single submitter. Criteria: Ambry Variant Classification Scheme 2023. Collection method: clinical testing. Allele origin: germline.

Labcorp Genetics (formerly Invitae), Labcorp
Classification: Uncertain significance for Epileptic encephalopathy. Last evaluated: 2022-02-04. Review status: criteria provided, single submitter. Criteria: Invitae Variant Classification Sherloc (09022015). Collection method: clinical testing. Allele origin: germline.
Comment: This sequence change replaces alanine, which is neutral and non-polar, with valine, which is neutral and non-polar, at codon 4594 of the RYR3 protein (p.Ala4594Val). This variant is present in population databases (rs781372766, gnomAD 0.006%). This variant has not been reported in the literature in individuals affected with RYR3-related conditions. ClinVar contains an entry for this variant (Variation ID: 461868). Algorithms developed to predict the effect of missense changes on protein structure and function (SIFT, PolyPhen-2, Align-GVGD) all suggest that this variant is likely to be tolerated. In summary, the available evidence is currently insufficient to determine the role of this variant in disease. Therefore, it has been classified as a Variant of Uncertain Significance.